The following is an entry in ClinVar:

ClinVar aggregate classification (germline): Benign (1 of 4 stars; one submission).

Conditions:
DICER1-related tumor predisposition. Also called: DICER1-related pleuropulmonary blastoma cancer predisposition syndrome; DICER1 syndrome. Identifiers: Orphanet 284343, MedGen C3839822, MONDO:0100216.

Submission:

Myriad Genetics, Inc.
Classification: Benign for DICER1-related tumor predisposition. Last evaluated: 2026-04-15. Review status: criteria provided, single submitter. Criteria: Myriad Autosomal Dominant, Autosomal Recessive and X-Linked Classification Criteria (2023). Collection method: clinical testing. Allele origin: unknown.
Comment: This variant is considered benign. This variant is a silent/synonymous amino acid change and it is not expected to impact splicing.

NM_177438.3(DICER1):c.441T>A (p.Val147=)

Gene: DICER1 (dicer 1, ribonuclease III; minus strand). Cytogenetic location: 14q32.13.
Variant type: single nucleotide variant.
Coding change: c.441T>A on transcript NM_177438.3 (MANE Select); coding-DNA position 441, T replaced by A.
Protein change: p.Val147=; no amino-acid change (valine 147 retained).
Molecular consequence: synonymous variant. On other transcripts: 5 prime UTR variant (1), non-coding transcript variant (6), intron variant (1).
Genome position (GRCh38, 1-based): chr14:95,130,190, A>T on the plus strand (T>A on the coding strand, the complement: DICER1 is on the minus strand). VCF-style: chr14-95130190-A-T. GRCh37 (hg19) VCF-style: chr14-95596527-A-T.
Other names: c.441T>A, p.Val147= (NM_001195573.1, NM_001271282.3, NM_001291628.2 and 14 more transcripts); c.159T>A, p.Val53= (NM_001395686.1); c.36T>A, p.Val12= (NM_001395687.1, NM_001395688.1, NM_001395689.1 and 3 more transcripts); c.-1128T>A (NM_001395697.1); c.-20-107T>A (NM_001395691.1).
Identifiers: ClinVar variation 4875856 (VCV004875856.1).
Genomic context (GRCh38, chr14:95,130,190, plus strand): 5'-TGACAGTGATAAGTAACCATTTTTCAAAACATTCAAGGCGACATAGCAAGTCATAATGAG[A>T]ACCTAAAATAAAATCAACATCAGTAAACAAACATAGCATTCACTGCCTGGATATACTTAC-3'
Protein context (NP_803187.1, residues 137-157): RWNQEFTKHQ[Val147=]LIMTCYVALN